The following is an entry in ClinVar:

ClinVar aggregate classification (germline): Benign/Likely benign. Review status: criteria provided, multiple submitters, no conflicts (2 of 4 stars). 2 submissions from 2 submitters: Benign (1); Likely benign (1). Last evaluated 2024-03-27.

Conditions:
Hereditary cancer-predisposing syndrome. Also called: Hereditary Cancer Syndrome; Hereditary neoplastic syndrome; Neoplastic Syndromes, Hereditary; Tumor predisposition. Identifiers: Orphanet 140162, MedGen C0027672, MeSH D009386, MONDO:0015356.
Familial adenomatous polyposis 1 (FAP1). Also called: FAMILIAL ADENOMATOUS POLYPOSIS 1, ATTENUATED; POLYPOSIS, ADENOMATOUS INTESTINAL. Identifiers: MedGen C2713442, MONDO:0021056, OMIM 175100. Disease mechanism: loss of function.

Allele frequency attached by ClinVar (database versions not stated): gnomAD exomes 0.00001.
gnomAD v4.1: 3 of 1,614,042 alleles (0.00019%); highest among the groups gnomAD compares: Non-Finnish European, 0.00025%; no homozygotes.

Submissions (2):

Myriad Genetics, Inc.
Classification: Benign for Familial adenomatous polyposis 1. Last evaluated: 2024-03-27. Review status: criteria provided, single submitter. Criteria: Myriad Autosomal Dominant, Autosomal Recessive and X-Linked Classification Criteria (2023). Collection method: clinical testing. Allele origin: unknown.
Comment: This variant is considered benign. This variant is a silent/synonymous amino acid change and it is not expected to impact splicing.

Ambry Genetics
Classification: Likely benign for Hereditary cancer-predisposing syndrome. Last evaluated: 2021-08-08. Review status: criteria provided, single submitter. Criteria: Ambry Variant Classification Scheme 2023. Collection method: clinical testing. Allele origin: germline.

NM_000038.6(APC):c.4656G>A (p.Glu1552=)

Gene: APC (APC regulator of Wnt signaling pathway; plus strand). Cytogenetic location: 5q22.2.
Variant type: single nucleotide variant.
Coding change: c.4656G>A on transcript NM_000038.6 (MANE Select); coding-DNA position 4656, G replaced by A.
Protein change: p.Glu1552=; no amino-acid change (glutamic acid 1552 retained).
Molecular consequence: synonymous variant. On other transcripts: non-coding transcript variant (2).
Genome position (GRCh38, 1-based): chr5:112,840,250, G>A. VCF-style: chr5-112840250-G-A. GRCh37 (hg19) VCF-style: chr5-112175947-G-A.
Other names: c.4656G>A, p.Glu1552= (NM_001127510.3, NM_001354895.2, NM_001407450.1); c.4602G>A, p.Glu1534= (NM_001127511.3); c.4710G>A, p.Glu1570= (NM_001354896.2, NM_001407447.1, NM_001407448.1 and 1 more transcripts); c.4686G>A, p.Glu1562= (NM_001354897.2); c.4581G>A, p.Glu1527= (NM_001354898.2); c.4572G>A, p.Glu1524= (NM_001354899.2); c.4533G>A, p.Glu1511= (NM_001354900.2); c.4479G>A, p.Glu1493= (NM_001354901.2, NM_001407453.1); and 11 more.
Identifiers: ClinVar variation 1742208 (VCV001742208.2), dbSNP rs1192588332, ClinGen allele CA446206648.